The following is an entry in ClinVar:

ClinVar aggregate classification (germline): Conflicting classifications of pathogenicity. Review status: criteria provided, conflicting classifications (1 of 4 stars). 4 submissions from 4 submitters: Uncertain significance (2); Likely benign (1). 1 of the submissions does not count toward it. Last evaluated 2026-01-20.

Conditions:
DNAAF2-related disorder. Also called: DNAAF2-related condition.
Primary ciliary dyskinesia. Also called: Ciliary dyskinesia. Identifiers: Orphanet 244, MedGen C0008780, MONDO:0016575, HP:0012265.
Primary ciliary dyskinesia 10. Also called: CILIARY DYSKINESIA, PRIMARY, 10, WITH OR WITHOUT SITUS INVERSUS. Identifiers: Orphanet 244, MedGen C2675867, MONDO:0012918, OMIM 612518.

Allele frequency attached by ClinVar (database versions not stated): gnomAD exomes 0.00013 and 0.00026; gnomAD 0.00014 and 0.00017; TOPMed 0.00022; ExAC 0.00024; 1000 Genomes Project 0.00080; 1000 Genomes Project 30x 0.00094.
gnomAD v4.1: 225 of 1,611,652 alleles (0.014%); highest among the groups gnomAD compares: Admixed American, 0.047%; 1 homozygote.

Submissions (4):

Labcorp Genetics (formerly Invitae), Labcorp
Classification: Likely benign for Primary ciliary dyskinesia. Last evaluated: 2026-01-20. Review status: criteria provided, single submitter. Criteria: Invitae Variant Classification Sherloc (09022015). Collection method: clinical testing. Allele origin: germline.

Illumina Laboratory Services, Illumina
Classification: Uncertain significance for Primary ciliary dyskinesia 10. Last evaluated: 2018-01-13. Review status: criteria provided, single submitter. Criteria: ICSL Variant Classification Criteria 13 December 2019. Collection method: clinical testing. Allele origin: germline.

Ambry Genetics
Classification: Uncertain significance for Primary ciliary dyskinesia. Last evaluated: 2015-11-15. Review status: criteria provided, single submitter. Criteria: Ambry Variant Classification Scheme 2023. Collection method: clinical testing. Allele origin: germline.
Comment: The p.A275V variant (also known as c.824C>T), located in coding exon 1 of the DNAAF2 gene, results from a C to T substitution at nucleotide position 824. The alanine at codon 275 is replaced by valine, an amino acid with similar properties. This variant was previously reported in the SNPDatabase as rs200291432. This variant was not reported in population based cohorts in the following databases: NHLBI Exome Sequencing Project (ESP), and 1000 Genomes Project. In the ESP, this variant was not observed in 6222 samples (12444 alleles) with coverage at this position. This amino acid position is not well conserved in available vertebrate species. In addition, this alteration is predicted to be tolerated by in silico analysis. Since supporting evidence is limited at this time, the clinical significance of this variant remains unclear.

PreventionGenetics, part of Exact Sciences
Classification: Likely benign for DNAAF2-related condition. Last evaluated: 2020-09-14. Review status: no assertion criteria provided. Collection method: clinical testing. Allele origin: germline. Not counted in ClinVar's aggregate classification.
Comment: This variant is classified as likely benign based on ACMG/AMP sequence variant interpretation guidelines (Richards et al. 2015 PMID: 25741868, with internal and published modifications).

NM_018139.3(DNAAF2):c.824C>T (p.Ala275Val)

Gene: DNAAF2 (dynein axonemal assembly factor 2; minus strand). Cytogenetic location: 14q21.3.
Variant type: single nucleotide variant.
Coding change: c.824C>T on transcript NM_018139.3 (MANE Select); coding-DNA position 824, C replaced by T.
Protein change: p.Ala275Val; replaces alanine 275 with valine.
Molecular consequence: missense variant.
Genome position (GRCh38, 1-based): chr14:49,634,326, G>A on the plus strand (C>T on the coding strand, the complement: DNAAF2 is on the minus strand). VCF-style: chr14-49634326-G-A. GRCh37 (hg19) VCF-style: chr14-50101044-G-A.
Other names: c.824C>T, p.Ala275Val (NM_001083908.2); short protein forms A275V.
Identifiers: ClinVar variation 241283 (VCV000241283.29), dbSNP rs200291432, ClinGen allele CA7173023.